The following is an entry in ClinVar:

ClinVar aggregate classification (germline): Benign/Likely benign. Review status: criteria provided, multiple submitters, no conflicts (2 of 4 stars). 4 submissions from 4 submitters: Benign (1); Likely benign (3). Last evaluated 2025-12-22.

Conditions:
DYNC1H1-related disorder. Also called: DYNC1H1-related disorders; DYNC1H1-related condition. Identifiers: MedGen CN381529.
Charcot-Marie-Tooth disease axonal type 2O. Also called: Charcot-Marie-Tooth Neuropathy Type 2O; CHARCOT-MARIE-TOOTH NEUROPATHY, AXONAL, TYPE 2O; CHARCOT-MARIE-TOOTH DISEASE, AXONAL, AUTOSOMAL DOMINANT, TYPE 2O; Charcot-Marie-Tooth disease, axonal, type 20. Identifiers: Orphanet 284232, MedGen C3280220, MONDO:0013644, OMIM 614228.

Submissions (4):

Labcorp Genetics (formerly Invitae), Labcorp
Classification: Likely benign for Charcot-Marie-Tooth disease axonal type 2O. Last evaluated: 2025-12-22. Review status: criteria provided, single submitter. Criteria: Invitae Variant Classification Sherloc (09022015). Collection method: clinical testing. Allele origin: germline.

PreventionGenetics, part of Exact Sciences
Classification: Likely benign for DYNC1H1-related condition. Last evaluated: 2025-05-15. Review status: criteria provided, single submitter. Criteria: ACMG Guidelines, 2015. Collection method: clinical testing. Allele origin: germline.
Comment: This variant is classified as likely benign based on ACMG/AMP sequence variant interpretation guidelines (Richards et al. 2015 PMID: 25741868, with internal and published modifications).

Mayo Clinic Laboratories, Mayo Clinic
Classification: Benign. Last evaluated: 2023-06-22. Review status: criteria provided, single submitter. Criteria: ACMG Guidelines, 2015. Collection method: clinical testing. Allele origin: germline. Observed: 3 variant alleles.
Comment: BS1, BS2, BP4, BP7

GeneDx
Classification: Likely benign. Last evaluated: 2021-05-28. Review status: criteria provided, single submitter. Criteria: GeneDx Variant Classification Process June 2021. Collection method: clinical testing. Allele origin: germline. Affected: yes.

NM_001376.5(DYNC1H1):c.2719-9_2719-7del

Gene: DYNC1H1 (dynein cytoplasmic 1 heavy chain 1; plus strand). Cytogenetic location: 14q32.31.
Variant type: Deletion.
Coding change: c.2719-9_2719-7del on transcript NM_001376.5 (MANE Select); 9 bases into the intron before coding-DNA position 2719 through 7 bases into the intron before coding-DNA position 2719, 3 bases deleted (TGT; older notation c.2719-9_2719-7delTGT).
Molecular consequence: intron variant.
Genome position (GRCh38, 1-based): chr14:101,988,694-101,988,696, TGT deleted; deleting any 3 consecutive bases within chr14:101,988,692-101,988,696 gives the same sequence; the c. name uses the placement nearest the transcript's 3' end. VCF-style (leftmost placement, unchanged base first): chr14-101988691-CGTT-C. GRCh37 (hg19) VCF-style: chr14-102455028-CGTT-C.
Other names: p.?; c.2719-9_2719-7del (NM_001376.4).
Identifiers: ClinVar variation 415324 (VCV000415324.17), dbSNP rs566271356, ClinGen allele CA7351877.